The following is an entry in ClinVar:

ClinVar aggregate classification (germline): Uncertain significance. Review status: criteria provided, single submitter (1 of 4 stars). 2 submissions from 2 submitters: Uncertain significance (1). 1 of the submissions does not count toward it. Last evaluated 2022-06-20.

Conditions:
Retinitis pigmentosa 25 (RP25). Identifiers: Orphanet 791, MedGen C1864446, MONDO:0011272, OMIM 602772.

Allele frequency attached by ClinVar (database versions not stated): gnomAD 0.00001; TOPMed 0.00001.
gnomAD v4.1: 13 of 1,545,792 alleles (0.00084%); highest among the groups gnomAD compares: Non-Finnish European, 0.0011%; no homozygotes.

Submissions (2):

Labcorp Genetics (formerly Invitae), Labcorp
Classification: Uncertain significance. Last evaluated: 2022-06-20. Review status: criteria provided, single submitter. Criteria: Invitae Variant Classification Sherloc (09022015). Collection method: clinical testing. Allele origin: germline.
Comment: This sequence change replaces lysine, which is basic and polar, with threonine, which is neutral and polar, at codon 2162 of the EYS protein (p.Lys2162Thr). This variant is not present in population databases (gnomAD no frequency). This variant has not been reported in the literature in individuals affected with EYS-related conditions. ClinVar contains an entry for this variant (Variation ID: 851277). Algorithms developed to predict the effect of missense changes on protein structure and function output the following: SIFT: "Tolerated"; PolyPhen-2: "Benign"; Align-GVGD: "Class C0". The threonine amino acid residue is found in multiple mammalian species, which suggests that this missense change does not adversely affect protein function. In summary, the available evidence is currently insufficient to determine the role of this variant in disease. Therefore, it has been classified as a Variant of Uncertain Significance.

Natera, Inc.
Classification: Uncertain significance for Retinitis pigmentosa type 25. Last evaluated: 2021-02-18. Review status: no assertion criteria provided. Collection method: clinical testing. Allele origin: germline. Not counted in ClinVar's aggregate classification.

NM_001142800.2(EYS):c.6485A>C (p.Lys2162Thr)

Gene: EYS (eyes shut homolog; minus strand). Cytogenetic location: 6q12.
Variant type: single nucleotide variant.
Coding change: c.6485A>C on transcript NM_001142800.2 (MANE Select); coding-DNA position 6485, A replaced by C.
Protein change: p.Lys2162Thr; replaces lysine 2162 with threonine.
Molecular consequence: missense variant.
Genome position (GRCh38, 1-based): chr6:64,081,942, T>G on the plus strand (A>C on the coding strand, the complement: EYS is on the minus strand). VCF-style: chr6-64081942-T-G. GRCh37 (hg19) VCF-style: chr6-64791835-T-G.
Other names: c.6485A>C, p.Lys2162Thr (NM_001292009.2); short protein forms K2162T.
Identifiers: ClinVar variation 851277 (VCV000851277.8), dbSNP rs1039415909, ClinGen allele CA140278474.